The following is an entry in ClinVar:

ClinVar aggregate classification (germline): Likely benign (1 of 4 stars; one submission).

Conditions:
RAI1-related disorder. Also called: RAI1-related condition.

gnomAD v4.1: 2 of 1,601,604 alleles (0.00012%); highest among the groups gnomAD compares: African/African-American, 0.0027%; no homozygotes.

Submission:

PreventionGenetics, part of Exact Sciences
Classification: Likely benign for RAI1-related condition. Last evaluated: 2025-12-29. Review status: criteria provided, single submitter. Criteria: ACMG Guidelines, 2015. Collection method: clinical testing. Allele origin: germline.
Comment: This variant is classified as likely benign based on ACMG/AMP sequence variant interpretation guidelines (Richards et al. 2015 PMID: 25741868, with internal and published modifications).

NM_030665.4(RAI1):c.2394C>A (p.Pro798=)

Gene: RAI1 (retinoic acid induced 1; plus strand). Cytogenetic location: 17p11.2.
Variant type: single nucleotide variant.
Coding change: c.2394C>A on transcript NM_030665.4 (MANE Select); coding-DNA position 2394, C replaced by A.
Protein change: p.Pro798=; no amino-acid change (proline 798 retained).
Molecular consequence: synonymous variant.
Genome position (GRCh38, 1-based): chr17:17,795,342, C>A. VCF-style: chr17-17795342-C-A. GRCh37 (hg19) VCF-style: chr17-17698656-C-A.
Identifiers: ClinVar variation 4996017 (VCV004996017.1).